The following is an entry in ClinVar:

NM_000452.3(SLC10A2):c.425C>T (p.Pro142Leu)

Gene: SLC10A2 (solute carrier family 10 member 2; minus strand). Cytogenetic location: 13q33.1.
Variant type: single nucleotide variant.
Coding change: c.425C>T on transcript NM_000452.3 (MANE Select); coding-DNA position 425, C replaced by T.
Protein change: p.Pro142Leu; replaces proline 142 with leucine.
Molecular consequence: missense variant.
Genome position (GRCh38, 1-based): chr13:103,058,335, G>A on the plus strand (C>T on the coding strand, the complement: SLC10A2 is on the minus strand). VCF-style: chr13-103058335-G-A. GRCh37 (hg19) VCF-style: chr13-103710685-G-A.
Other names: p.Pro142Leu; c.425C>T (NM_000452.2); short protein forms P142L.
Identifiers: ClinVar variation 501088 (VCV000501088.15), dbSNP rs117447044, ClinGen allele CA7042226.

ClinVar aggregate classification (germline): Conflicting classifications of pathogenicity. Review status: criteria provided, conflicting classifications (1 of 4 stars). 7 submissions from 7 submitters: Uncertain significance (4); Likely benign (2). 1 of the submissions does not count toward it. Last evaluated 2026-02-01.

Conditions:
SLC10A2-related disorder. Also called: SLC10A2-related condition.

Allele frequency attached by ClinVar (database versions not stated): 1000 Genomes Project 30x 0.00016; 1000 Genomes Project 0.00020; ESP Exome Variant Server 0.00054; gnomAD 0.00082 and 0.00084; gnomAD exomes 0.00084 and 0.00094; TOPMed 0.00089; ExAC 0.00095.
gnomAD v4.1: 1,353 of 1,613,848 alleles (0.084%); highest among the groups gnomAD compares: Middle Eastern, 0.45%; 2 homozygotes.

Submissions (7):

Labcorp Genetics (formerly Invitae), Labcorp
Classification: Likely benign. Last evaluated: 2026-02-01. Review status: criteria provided, single submitter. Criteria: Invitae Variant Classification Sherloc (09022015). Collection method: clinical testing. Allele origin: germline.

Blueprint Genetics
Classification: Likely benign. Last evaluated: 2024-11-18. Review status: criteria provided, single submitter. Criteria: ACMG Guidelines, 2015. Collection method: clinical testing. Allele origin: germline.

GeneDx
Classification: Uncertain significance. Last evaluated: 2024-03-25. Review status: criteria provided, single submitter. Criteria: GeneDx Variant Classification Process June 2021. Collection method: clinical testing. Allele origin: germline. Affected: yes.
Comment: Identified in individuals with low levels of HDL-cholesterol or with reduced postprandial increase in plasma bile acid concentrations in published literature, however, additional clinical information was not provided (PMID: 28663304, 35460704); In silico analysis supports that this missense variant has a deleterious effect on protein structure/function; This variant is associated with the following publications: (PMID: 35460704, 28663304, 30504769)

Mayo Clinic Laboratories, Mayo Clinic
Classification: Uncertain significance. Last evaluated: 2023-06-13. Review status: criteria provided, single submitter. Criteria: ACMG Guidelines, 2015. Collection method: clinical testing. Allele origin: germline. Observed: 1 variant allele.

Eurofins Ntd Llc (ga)
Classification: Uncertain significance. Last evaluated: 2018-01-19. Review status: criteria provided, single submitter. Criteria: EGL Classification Definitions 2015. Collection method: clinical testing. Allele origin: germline. Observed: 5 variant alleles, 5 heterozygotes.

Breakthrough Genomics
Classification: Uncertain significance. Review status: criteria provided, single submitter. Criteria: ACMG Guidelines, 2015. Collection method: not provided. Allele origin: germline. Inheritance: Autosomal recessive inheritance. Affected: yes.

PreventionGenetics, part of Exact Sciences
Classification: Likely benign for SLC10A2-related condition. Last evaluated: 2021-03-21. Review status: no assertion criteria provided. Collection method: clinical testing. Allele origin: germline. Not counted in ClinVar's aggregate classification.
Comment: This variant is classified as likely benign based on ACMG/AMP sequence variant interpretation guidelines (Richards et al. 2015 PMID: 25741868, with internal and published modifications).

Literature cited by the submitters: PubMed 28663304 (cited by Mayo Clinic Laboratories, Mayo Clinic).